The following is an entry in ClinVar:

NM_000785.4(CYP27B1):c.769dup (p.Trp257fs)

Gene: CYP27B1 (cytochrome P450 family 27 subfamily B member 1; minus strand). Cytogenetic location: 12q14.1.
Variant type: Duplication.
Coding change: c.769dup on transcript NM_000785.4 (MANE Select); coding-DNA position 769, one base duplicated (T; older notation c.769dupT).
Protein change: p.Trp257fs; shifts the reading frame from tryptophan 257.
Molecular consequence: frameshift variant.
Genome position (GRCh38, 1-based): chr12:57,765,032, A duplicated on the plus strand (T on the coding strand, the reverse complement: CYP27B1 is on the minus strand). VCF-style (leftmost placement, unchanged base first): chr12-57765031-C-CA. GRCh37 (hg19) VCF-style: chr12-58158814-C-CA.
Other names: short protein forms W257fs.
Identifiers: ClinVar variation 2843180 (VCV002843180.3), dbSNP rs2540916851, ClinGen allele CA2739272102.

ClinVar aggregate classification (germline): Pathogenic (1 of 4 stars; one submission).

Submission:

Labcorp Genetics (formerly Invitae), Labcorp
Classification: Pathogenic. Last evaluated: 2022-12-17. Review status: criteria provided, single submitter. Criteria: Invitae Variant Classification Sherloc (09022015). Collection method: clinical testing. Allele origin: germline.
Comment: This variant is not present in population databases (gnomAD no frequency). For these reasons, this variant has been classified as Pathogenic. This variant has not been reported in the literature in individuals affected with CYP27B1-related conditions. This sequence change creates a premature translational stop signal (p.Trp257Leufs*76) in the CYP27B1 gene. It is expected to result in an absent or disrupted protein product. Loss-of-function variants in CYP27B1 are known to be pathogenic (PMID: 9837822, 17488797).

Literature cited by the submitters: PubMed 9837822; PubMed 17488797.